The following is an entry in ClinVar:

NM_024642.5(GALNT12):c.1324A>C (p.Arg442=)

Gene: GALNT12 (polypeptide N-acetylgalactosaminyltransferase 12; plus strand). Cytogenetic location: 9q22.33.
Variant type: single nucleotide variant.
Coding change: c.1324A>C on transcript NM_024642.5 (MANE Select); coding-DNA position 1324, A replaced by C.
Protein change: p.Arg442=; no amino-acid change (arginine 442 retained).
Molecular consequence: synonymous variant.
Genome position (GRCh38, 1-based): chr9:98,840,113, A>C. VCF-style: chr9-98840113-A-C. GRCh37 (hg19) VCF-style: chr9-101602395-A-C.
Identifiers: ClinVar variation 4875752 (VCV004875752.1).
Genomic context (GRCh38, chr9:98,840,113, plus strand): 5'-TGTAAAGACTTCAAGTGGTTCTTGGAGACTGTGTATCCAGAACTGCATGTGCCTGAGGAC[A>C]GGCCTGGCTTCTTCGGGATGGTGAGTGAGGGTGGTGGGCCCACGGCAGGCAGGGACTTCC-3'
Protein context (NP_078918.3, residues 432-452): VYPELHVPED[Arg442=]PGFFGMLQNK

ClinVar aggregate classification (germline): Benign (1 of 4 stars; one submission).

Conditions:
Colorectal cancer, susceptibility to, 1. Also called: COLORECTAL ADENOMA AND CANCER, SUSCEPTIBILITY TO; COLORECTAL CANCER, SUSCEPTIBILITY TO, ON CHROMOSOME 9. Identifiers: MedGen C1837315, MONDO:0012132, OMIM 608812.

Submission:

Myriad Genetics, Inc.
Classification: Benign for Colorectal cancer, susceptibility to, 1. Last evaluated: 2026-04-27. Review status: criteria provided, single submitter. Criteria: Myriad Autosomal Dominant, Autosomal Recessive and X-Linked Classification Criteria (2023). Collection method: clinical testing. Allele origin: unknown.
Comment: This variant is considered benign. This variant is a silent/synonymous amino acid change and it is not expected to impact splicing.